The following is an entry in ClinVar:

NM_003242.6(TGFBR2):c.313A>C (p.Lys105Gln)

Gene: TGFBR2 (transforming growth factor beta receptor 2; plus strand). Cytogenetic location: 3p24.1.
Variant type: single nucleotide variant.
Coding change: c.313A>C on transcript NM_003242.6 (MANE Select); coding-DNA position 313, A replaced by C.
Protein change: p.Lys105Gln; replaces lysine 105 with glutamine.
Molecular consequence: missense variant. On other transcripts: intron variant (2).
Genome position (GRCh38, 1-based): chr3:30,650,319, A>C. VCF-style: chr3-30650319-A-C. GRCh37 (hg19) VCF-style: chr3-30691811-A-C.
Other names: c.388A>C, p.Lys130Gln (NM_001024847.3, NM_001407126.1, NM_001407139.1); c.313A>C, p.Lys105Gln (NM_001407127.1, NM_001407130.1); c.340A>C, p.Lys114Gln (NM_001407128.1); c.208A>C, p.Lys70Gln (NM_001407129.1, NM_001407132.1, NM_001407133.1 and 3 more transcripts); c.170-21319A>C (NM_001407137.1); c.95-21319A>C (NM_001407138.1); short protein forms K105Q, K114Q, K130Q, K70Q.
Identifiers: ClinVar variation 4802235 (VCV004802235.1).
Genomic context (GRCh38, chr3:30,650,319, plus strand): 5'-CTTCACTCTAGGAGAAAGAATGACGAGAACATAACACTAGAGACAGTTTGCCATGACCCC[A>C]AGCTCCCCTACCATGACTTTATTCTGGAAGATGCTGCTTCTCCAAAGTGCATTATGAAGG-3'
Protein context (NP_003233.4, residues 95-115): ITLETVCHDP[Lys105Gln]LPYHDFILED

ClinVar aggregate classification (germline): Uncertain significance (1 of 4 stars; one submission).

Conditions:
Familial thoracic aortic aneurysm and aortic dissection (TAAD). Also called: Thoracic aortic aneurysms and dissections. Identifiers: Orphanet 91387, MedGen C4707243, MONDO:0019625.

Submission:

Labcorp Genetics (formerly Invitae), Labcorp
Classification: Uncertain significance for Familial thoracic aortic aneurysm and aortic dissection. Last evaluated: 2025-10-25. Review status: criteria provided, single submitter. Criteria: Invitae Variant Classification Sherloc (09022015). Collection method: clinical testing. Allele origin: germline.
Comment: This sequence change replaces lysine, which is basic and polar, with glutamine, which is neutral and polar, at codon 105 of the TGFBR2 protein (p.Lys105Gln). This variant is not present in population databases (gnomAD no frequency). This variant has not been reported in the literature in individuals affected with TGFBR2-related conditions. Invitae Evidence Modeling of protein sequence and biophysical properties (such as structural, functional, and spatial information, amino acid conservation, physicochemical variation, residue mobility, and thermodynamic stability) indicates that this missense variant is not expected to disrupt TGFBR2 protein function with a negative predictive value of 95%. In summary, the available evidence is currently insufficient to determine the role of this variant in disease. Therefore, it has been classified as a Variant of Uncertain Significance.